The following is an entry in ClinVar:

NM_005559.4(LAMA1):c.6712A>G (p.Asn2238Asp)

Gene: LAMA1 (laminin subunit alpha 1; minus strand). Cytogenetic location: 18p11.31.
Variant type: single nucleotide variant.
Coding change: c.6712A>G on transcript NM_005559.4 (MANE Select); coding-DNA position 6712, A replaced by G.
Protein change: p.Asn2238Asp; replaces asparagine 2238 with aspartic acid.
Molecular consequence: missense variant.
Genome position (GRCh38, 1-based): chr18:6,973,119, T>C on the plus strand (A>G on the coding strand, the complement: LAMA1 is on the minus strand). VCF-style: chr18-6973119-T-C. GRCh37 (hg19) VCF-style: chr18-6973118-T-C.
Other names: short protein forms N2238D.
Identifiers: ClinVar variation 1525177 (VCV001525177.5), dbSNP rs188619033, ClinGen allele CA8881148.

ClinVar aggregate classification (germline): Uncertain significance. Review status: criteria provided, multiple submitters, no conflicts (2 of 4 stars). 3 submissions from 3 submitters: Uncertain significance (3). Last evaluated 2023-10-30.

Conditions:
Inborn genetic diseases. Identifiers: MedGen C0950123, MeSH D030342.

Allele frequency attached by ClinVar (database versions not stated): gnomAD exomes 0.00001 and 0.00002; ExAC 0.00002; gnomAD 0.00010; 1000 Genomes Project 0.00020; TOPMed 0.00030.
gnomAD v4.1: 28 of 1,614,080 alleles (0.0017%); highest among the groups gnomAD compares: Admixed American, 0.035%; no homozygotes.

Submissions (3):

Ambry Genetics
Classification: Uncertain significance for Inborn genetic diseases. Last evaluated: 2023-10-30. Review status: criteria provided, single submitter. Criteria: Ambry Variant Classification Scheme 2023. Collection method: clinical testing. Allele origin: germline.

Labcorp Genetics (formerly Invitae), Labcorp
Classification: Uncertain significance. Last evaluated: 2022-07-26. Review status: criteria provided, single submitter. Criteria: Invitae Variant Classification Sherloc (09022015). Collection method: clinical testing. Allele origin: germline.
Comment: This sequence change replaces asparagine, which is neutral and polar, with aspartic acid, which is acidic and polar, at codon 2238 of the LAMA1 protein (p.Asn2238Asp). This variant is present in population databases (rs188619033, gnomAD 0.01%). This variant has not been reported in the literature in individuals affected with LAMA1-related conditions. ClinVar contains an entry for this variant (Variation ID: 1525177). Algorithms developed to predict the effect of missense changes on protein structure and function (SIFT, PolyPhen-2, Align-GVGD) all suggest that this variant is likely to be tolerated. In summary, the available evidence is currently insufficient to determine the role of this variant in disease. Therefore, it has been classified as a Variant of Uncertain Significance.

GeneDx
Classification: Uncertain significance. Last evaluated: 2022-07-08. Review status: criteria provided, single submitter. Criteria: GeneDx Variant Classification Process June 2021. Collection method: clinical testing. Allele origin: germline. Affected: yes.
Comment: In silico analysis supports that this missense variant does not alter protein structure/function; Has not been previously published as pathogenic or benign to our knowledge